The following is an entry in ClinVar:

ClinVar aggregate classification (germline): Uncertain significance (1 of 4 stars; one submission).

Conditions:
Cardiovascular phenotype. Identifiers: MedGen CN230736.
Hereditary cancer-predisposing syndrome. Also called: Tumor predisposition; Hereditary neoplastic syndrome; Neoplastic Syndromes, Hereditary; Hereditary Cancer Syndrome. Identifiers: Orphanet 140162, MedGen C0027672, MeSH D009386, MONDO:0015356.

gnomAD v4.1: 2 of 1,579,296 alleles (0.00013%); highest among the groups gnomAD compares: South Asian, 0.0023%; no homozygotes.

Submission:

Ambry Genetics
Classification: Uncertain significance for Cardiovascular phenotype; Hereditary cancer-predisposing syndrome. Last evaluated: 2025-04-17. Review status: criteria provided, single submitter. Criteria: Ambry Variant Classification Scheme 2023. Collection method: clinical testing. Allele origin: germline.
Comment: The p.L485R variant (also known as c.1454T>G), located in coding exon 14 of the LZTR1 gene, results from a T to G substitution at nucleotide position 1454. The leucine at codon 485 is replaced by arginine, an amino acid with dissimilar properties. This amino acid position is conserved. In addition, this alteration is predicted to be tolerated by in silico analysis. Based on the available evidence, the clinical significance of this variant remains unclear.

NM_006767.4(LZTR1):c.1454T>G (p.Leu485Arg)

Gene: LZTR1 (leucine zipper like post translational regulator 1; plus strand). Cytogenetic location: 22q11.21.
Variant type: single nucleotide variant.
Coding change: c.1454T>G on transcript NM_006767.4 (MANE Select); coding-DNA position 1454, T replaced by G.
Protein change: p.Leu485Arg; replaces leucine 485 with arginine.
Molecular consequence: missense variant.
Genome position (GRCh38, 1-based): chr22:20,994,108, T>G. VCF-style: chr22-20994108-T-G. GRCh37 (hg19) VCF-style: chr22-21348397-T-G.
Other names: short protein forms L485R.
Identifiers: ClinVar variation 3992012 (VCV003992012.1).